The following is an entry in ClinVar:

ClinVar aggregate classification (germline): Conflicting classifications of pathogenicity. Review status: criteria provided, conflicting classifications (1 of 4 stars). 5 submissions from 5 submitters: Pathogenic (2); Likely pathogenic (1); Uncertain significance (2). Last evaluated 2023-10-03.

Conditions:
Hereditary cancer-predisposing syndrome. Also called: Tumor predisposition; Hereditary Cancer Syndrome; Neoplastic Syndromes, Hereditary; Hereditary neoplastic syndrome. Identifiers: Orphanet 140162, MedGen C0027672, MeSH D009386, MONDO:0015356.
Birt-Hogg-Dube syndrome. Also called: Birt Hogg Dubé syndrome. Identifiers: Orphanet 122, MedGen C0346010, MONDO:0800444.

Submissions (5):

Labcorp Genetics (formerly Invitae), Labcorp
Classification: Uncertain significance for Birt-Hogg-Dube syndrome. Last evaluated: 2023-10-03. Review status: criteria provided, single submitter. Criteria: Invitae Variant Classification Sherloc (09022015). Collection method: clinical testing. Allele origin: germline.
Comment: This sequence change replaces histidine, which is basic and polar, with tyrosine, which is neutral and polar, at codon 255 of the FLCN protein (p.His255Tyr). This variant is not present in population databases (gnomAD no frequency). This missense change has been observed in individual(s) with Birt-Hogg-Dubé syndrome (PMID: 28007907). ClinVar contains an entry for this variant (Variation ID: 253236). Advanced modeling of protein sequence and biophysical properties (such as structural, functional, and spatial information, amino acid conservation, physicochemical variation, residue mobility, and thermodynamic stability) performed at Invitae indicates that this missense variant is expected to disrupt FLCN protein function. Experimental studies have shown that this missense change affects FLCN function (PMID: 28007907). This variant disrupts the p.His255 amino acid residue in FLCN. Other variant(s) that disrupt this residue have been observed in individuals with FLCN-related conditions (PMID: 19850877, 21538689), which suggests that this may be a clinically significant amino acid residue. In summary, the available evidence is currently insufficient to determine the role of this variant in disease. Therefore, it has been classified as a Variant of Uncertain Significance.

Myriad Genetics, Inc.
Classification: Likely pathogenic for Birt-Hogg-Dube syndrome 1. Last evaluated: 2023-04-21. Review status: criteria provided, single submitter. Criteria: Myriad Autosomal Dominant, Autosomal Recessive and X-Linked Classification Criteria (2023). Collection method: clinical testing. Allele origin: unknown.
Comment: This variant is considered likely pathogenic. Functional studies indicate this variant impacts protein function [PMID: 28007907]. This variant is expected to disrupt protein structure [Myriad internal data]. This variant has been reported in multiple individuals with clinical features of gene-specific disease [PMID: 34604083, 28007907].

Ambry Genetics
Classification: Pathogenic for Hereditary cancer-predisposing syndrome. Last evaluated: 2022-12-12. Review status: criteria provided, single submitter. Criteria: Ambry Variant Classification Scheme 2023. Collection method: clinical testing. Allele origin: germline.
Comment: The p.H255Y pathogenic mutation (also known as c.763C>T), located in coding exon 4 of the FLCN gene, results from a C to T substitution at nucleotide position 763. The histidine at codon 255 is replaced by tyrosine, an amino acid with similar properties. This mutation has been identified in multiple individuals with clinical diagnoses of Birt-Hogg Dube syndrome (BHD) or major clinical features of the condition (Hasumi Y et al. Proc Natl Acad Sci U S A, 2009 Nov;106:18722-7; Al-Shinnag M et al. Front Oncol, 2021 Sep;11:738822) and segregated with disease in at least one family (Hasumi H et al. Hum Mol Genet, 2017 Jan;26:354-366). FLCN H255Y also demonstrated loss of tumor supressor function and did not reverse the multicystic kidney phenotype in transgenic, FLCN-deficient mice (Hasumi Y et al. Proc Natl Acad Sci U S A, 2009 Nov;106:18722-7; Hasumi H et al. Hum Mol Genet, 2017 Jan;26:354-366). This variant is considered to be rare based on population cohorts in the Genome Aggregation Database (gnomAD). This amino acid position is highly conserved in available vertebrate species. In addition, this alteration is predicted to be deleterious by in silico analysis. Based on the supporting evidence, this alteration is interpreted as a disease-causing mutation.

GeneDx
Classification: Pathogenic. Last evaluated: 2018-02-06. Review status: criteria provided, single submitter. Criteria: GeneDx Variant Classification (06012015). Collection method: clinical testing. Allele origin: germline. Affected: yes.
Comment: This pathogenic variant is denoted FLCN c.763C>T at the cDNA level, p.His255Tyr (H255Y) at the protein level, and results in the change of a Histidine to a Tyrosine (CAC>TAC). This variant has been reported in at least one individual with Birt-Hogg-Dub? syndrome (Hasumi 2016). FLCN His255Tyr demonstrated reduced FLCN protein compared to wild-type in a functional assay and, in a mouse model, FLCN His255Tyr led to the development of an oncocytic hybrid kidney tumor (Hasumi 2009, Hasumi 2016). A missense variant in the same residue (His255Pro) has been reported in association with Birt-Hogg-Dub? syndrome, supporting the functional importance of this region of the protein (Nahorski 2011). FLCN His255Tyr was not observed in large population cohorts (Lek 2016). This variant is not located in a known functional domain. In silico analysis, which includes protein predictors and evolutionary conservation, supports a deleterious effect. Based on currently available evidence, we consider this variant to be pathogenic.

Genomic Diagnostic Laboratory, Division of Genomic Diagnostics, Children's Hospital of Philadelphia
Classification: Uncertain significance for Birt-Hogg-Dube Syndrome. Last evaluated: 2016-07-18. Review status: criteria provided, single submitter. Criteria: DGD Variant Analysis Guidelines. Collection method: clinical testing. Allele origin: germline. Affected: yes. Observed: 1 variant allele.
Comment: Clinical Testing

Literature cited by the submitters: PubMed 28007907 (cited by 3 submitters); PubMed 19850877 (cited by Labcorp Genetics (formerly Invitae), Labcorp and Ambry Genetics); PubMed 21538689 (cited by Labcorp Genetics (formerly Invitae), Labcorp); PubMed 34604083 (cited by Myriad Genetics, Inc. and Ambry Genetics).

NM_144997.7(FLCN):c.763C>T (p.His255Tyr)

Gene: FLCN (folliculin; minus strand). Cytogenetic location: 17p11.2.
Variant type: single nucleotide variant.
Coding change: c.763C>T on transcript NM_144997.7 (MANE Select); coding-DNA position 763, C replaced by T.
Protein change: p.His255Tyr; replaces histidine 255 with tyrosine.
Molecular consequence: missense variant.
Genome position (GRCh38, 1-based): chr17:17,222,517, G>A on the plus strand (C>T on the coding strand, the complement: FLCN is on the minus strand). VCF-style: chr17-17222517-G-A. GRCh37 (hg19) VCF-style: chr17-17125831-G-A.
Other names: c.763C>T (LRG_325t1); c.817C>T, p.His273Tyr (NM_001353229.2); c.763C>T, p.His255Tyr (NM_001353230.2, NM_001353231.2, NM_144606.7); short protein forms H255Y, H273Y.
Identifiers: ClinVar variation 253236 (VCV000253236.10), dbSNP rs879255664, ClinGen allele CA10586267.
Genomic context (GRCh38, chr17:17,222,517, plus strand): 5'-TGCTCTATCCTAACAGATATGCCAAAAGCAGAGACGCCCGTTACCAGGCAAAGGAGGTGT[G>A]CAGGCACGCCCACAGGTTGTCATCACTTGTCAGCGATGTCAGCGAGCGGGCGGCGTTGCC-3'
Protein context (NP_659434.2, residues 245-265): TSDDNLWACL[His255Tyr]TSFAWLLKAC